The following is an entry in ClinVar:

ClinVar aggregate classification (germline): Likely pathogenic (1 of 4 stars; one submission).

Conditions:
GABRB3-related disorder. Also called: GABRB3-related condition.

gnomAD v4.1: 3 of 1,614,132 alleles (0.00019%); highest among the groups gnomAD compares: Admixed American, 0.0017%; no homozygotes.

Submission:

3billion
Classification: Likely pathogenic for GABRB3-related disorder. Last evaluated: 2025-09-25. Review status: criteria provided, single submitter. Criteria: ACMG Guidelines, 2015. Collection method: clinical testing. Allele origin: germline. Affected: yes.
Comment: The variant is observed at an extremely low frequency in the gnomAD v4.1.0 dataset (total allele frequency: <0.001%). Predicted Consequence/Location: The variant is located in a mutational hot spot and/or well-established functional domain in which established pathogenic variants have been reported (PMID: 34906499). Missense variant. Missense changes are a common disease-causing mechanism. In silico tool predictions suggest damaging effect of the variant on gene or gene product [3Cnet: 0.99 (> 0.75, sensitivity 0.96 and precision 0.92)]. Therefore, this variant is classified as Likely pathogenic according to the recommendation of ACMG/AMP guideline.

NM_000814.6(GABRB3):c.763A>G (p.Ile255Val)

Gene: GABRB3 (gamma-aminobutyric acid type A receptor subunit beta3; minus strand). Cytogenetic location: 15q12.
Variant type: single nucleotide variant.
Coding change: c.763A>G on transcript NM_000814.6 (MANE Select); coding-DNA position 763, A replaced by G.
Protein change: p.Ile255Val; replaces isoleucine 255 with valine.
Molecular consequence: missense variant.
Genome position (GRCh38, 1-based): chr15:26,567,653, T>C on the plus strand (A>G on the coding strand, the complement: GABRB3 is on the minus strand). VCF-style: chr15-26567653-T-C. GRCh37 (hg19) VCF-style: chr15-26812800-T-C.
Other names: c.508A>G, p.Ile170Val (NM_001191320.2, NM_001278631.2); c.550A>G, p.Ile184Val (NM_001191321.3); c.763A>G, p.Ile255Val (NM_021912.5); short protein forms I170V, I184V, I255V.
Identifiers: ClinVar variation 4854116 (VCV004854116.1).